The following is an entry in ClinVar:

ClinVar aggregate classification (germline): Conflicting classifications of pathogenicity. Review status: criteria provided, conflicting classifications (1 of 4 stars). 7 submissions from 7 submitters: Uncertain significance (6); Likely benign (1). Last evaluated 2026-01-21.

Conditions:
Cardiovascular phenotype. Identifiers: MedGen CN230736.
Woolly hair-skin fragility syndrome (WHSF). Identifiers: Orphanet 293165, MedGen C1843292, MONDO:0957307, OMIM 620415.
Cardiomyopathy, dilated, with wooly hair, keratoderma, and tooth agenesis. Also called: Erythrokeratodermia-cardiomyopathy syndrome; Cardiomyopathy, dilated, with woolly hair, keratoderma, and tooth agenesis. Identifiers: Orphanet 476096, Orphanet 65282, MedGen C4014393, MONDO:0014355, OMIM 615821.
Keratosis palmoplantaris striata 2. Also called: Keratosis palmoplantaris striata II; KERATODERMA, PALMOPLANTAR, STRIATE FORM II; STRIATE PALMOPLANTAR KERATODERMA II. Identifiers: MedGen C1852127, MONDO:0013034, OMIM 612908.
Lethal acantholytic epidermolysis bullosa (EBLA). Identifiers: Orphanet 158687, MedGen C1864826, MONDO:0012323, OMIM 609638.
Arrhythmogenic cardiomyopathy with wooly hair and keratoderma. Also called: PALMOPLANTAR KERATODERMA WITH LEFT VENTRICULAR CARDIOMYOPATHY AND WOOLLY HAIR; Dilated cardiomyopathy with woolly hair and keratoderma; Arrhythmogenic cardiomyopathy with woolly hair and keratoderma; Carvajal syndrome. Identifiers: Orphanet 65282, MedGen C1854063, MONDO:0011581, OMIM 605676.
Arrhythmogenic right ventricular dysplasia 8 (ARVD8). Also called: Arrhythmogenic Right Ventricular Dysplasia/Cardiomyopathy 8; ARRHYTHMOGENIC RIGHT VENTRICULAR CARDIOMYOPATHY 8; ARRHYTHMOGENIC RIGHT VENTRICULAR DYSPLASIA, FAMILIAL, 8. Identifiers: MedGen C1843896, MONDO:0011831, OMIM 607450.
Cardiomyopathy (CMYO). Also called: Cardiomyopathies. Identifiers: Orphanet 167848, MedGen C0878544, MONDO:0004994, HP:0001638. Inheritance: Various modes of inheritance.

Allele frequency attached by ClinVar (database versions not stated): ExAC 0.00003; TOPMed 0.00003; gnomAD exomes 0.00004; ESP Exome Variant Server 0.00008; gnomAD 0.00016.
gnomAD v4.1: 120 of 1,610,202 alleles (0.0075%); highest among the groups gnomAD compares: Non-Finnish European, 0.0094%; no homozygotes.

Submissions (7):

Ambry Genetics
Classification: Uncertain significance for Cardiovascular phenotype. Last evaluated: 2026-01-21. Review status: criteria provided, single submitter. Criteria: Ambry Variant Classification Scheme 2023. Collection method: clinical testing. Allele origin: germline.
Comment: The c.8482G>A (p.G2828S) alteration is located in exon 24 (coding exon 24) of the DSP gene. This alteration results from a G to A substitution at nucleotide position 8482, causing the glycine (G) at amino acid position 2828 to be replaced by a serine (S). Based on data from gnomAD, the A allele has an overall frequency of 0.005% (14/278596) total alleles studied. The highest observed frequency was 0.014% (1/7070) of Other alleles. Based on insufficient or conflicting evidence, the clinical significance of this alteration remains unclear.

Labcorp Genetics (formerly Invitae), Labcorp
Classification: Likely benign for Arrhythmogenic cardiomyopathy with wooly hair and keratoderma; Arrhythmogenic right ventricular dysplasia 8. Last evaluated: 2025-08-23. Review status: criteria provided, single submitter. Criteria: Invitae Variant Classification Sherloc (09022015). Collection method: clinical testing. Allele origin: germline.

Blueprint Genetics
Classification: Uncertain significance. Last evaluated: 2024-08-05. Review status: criteria provided, single submitter. Criteria: ACMG Guidelines, 2015. Collection method: clinical testing. Allele origin: germline.

Color Diagnostics, LLC DBA Color Health
Classification: Uncertain significance for Cardiomyopathy. Last evaluated: 2024-07-15. Review status: criteria provided, single submitter. Criteria: ACMG Guidelines, 2015. Collection method: clinical testing. Allele origin: germline.
Comment: This missense variant replaces glycine with serine at codon 2828 of the DSP protein. Computational prediction suggests that this variant may not impact protein structure and function (internally defined REVEL score threshold <= 0.5, PMID: 27666373). To our knowledge, functional studies have not been reported for this variant. This variant has been reported in an individual affected with idiopathic ventricular fibrillation (PMID: 31114860), and in another individual who experienced sudden infant death (PMID: 37589201). This variant has been identified in 14/278596 chromosomes in the general population by the Genome Aggregation Database (gnomAD). The available evidence is insufficient to determine the role of this variant in disease conclusively. Therefore, this variant is classified as a Variant of Uncertain Significance.

Women's Health and Genetics/Laboratory Corporation of America, LabCorp
Classification: Uncertain significance. Last evaluated: 2024-07-01. Review status: criteria provided, single submitter. Criteria: LabCorp Variant Classification Summary - May 2015. Collection method: clinical testing. Allele origin: germline.
Comment: Variant summary: DSP c.8482G>A (p.Gly2828Ser) results in a non-conservative amino acid change in the encoded protein sequence. Four of five in-silico tools predict a damaging effect of the variant on protein function. The variant allele was found at a frequency of 3.6e-05 in 247242 control chromosomes. The available data on variant occurrences in the general population are insufficient to allow any conclusion about variant significance. To our knowledge, no occurrence of c.8482G>A in individuals affected with Arrhythmogenic Right Ventricular Dysplasia/Cardiomyopathy and no experimental evidence demonstrating its impact on protein function have been reported. ClinVar contains an entry for this variant (Variation ID: 405239). Based on the evidence outlined above, the variant was classified as uncertain significance.

All of Us Research Program, National Institutes of Health
Classification: Uncertain significance for Arrhythmogenic cardiomyopathy with wooly hair and keratoderma. Last evaluated: 2023-11-30. Review status: criteria provided, single submitter. Criteria: ACMG Guidelines, 2015. Collection method: clinical testing. Allele origin: germline. Inheritance: Autosomal dominant inheritance. Observed: 5 variant alleles, 5 heterozygotes.
Comment: This missense variant replaces glycine with serine at codon 2828 of the DSP protein. Computational prediction suggests that this variant may not impact protein structure and function (internally defined REVEL score threshold <= 0.5, PMID: 27666373). To our knowledge, functional studies have not been reported for this variant. This variant has been reported in an individual affected with idiopathic ventricular fibrillation (PMID: 31114860). This variant has been identified in 14/278596 chromosomes in the general population by the Genome Aggregation Database (gnomAD). The available evidence is insufficient to determine the role of this variant in disease conclusively. Therefore, this variant is classified as a Variant of Uncertain Significance.

This study involves interpretation of variants in research participants for the purpose of population health screening. Participant phenotype was not available at the time of variant classification. Additional details can be found in publication PMID: 35346344, PMCID: PMC8962531

Fulgent Genetics
Classification: Uncertain significance for Arrhythmogenic cardiomyopathy with wooly hair and keratoderma; Arrhythmogenic right ventricular dysplasia 8; Lethal acantholytic epidermolysis bullosa; Keratosis palmoplantaris striata 2; Cardiomyopathy, dilated, with wooly hair, keratoderma, and tooth agenesis. Last evaluated: 2021-12-15. Review status: criteria provided, single submitter. Criteria: ACMG Guidelines, 2015. Collection method: clinical testing. Allele origin: unknown.

Literature cited by the submitters: PubMed 31114860 (cited by Color Diagnostics, LLC DBA Color Health and All of Us Research Program, National Institutes of Health); PubMed 37589201 (cited by Color Diagnostics, LLC DBA Color Health).

NM_004415.4(DSP):c.8482G>A (p.Gly2828Ser)

Gene: DSP (desmoplakin; plus strand). Cytogenetic location: 6p24.3.
Variant type: single nucleotide variant.
Coding change: c.8482G>A on transcript NM_004415.4 (MANE Select); coding-DNA position 8482, G replaced by A.
Protein change: p.Gly2828Ser; replaces glycine 2828 with serine.
Molecular consequence: missense variant.
Genome position (GRCh38, 1-based): chr6:7,585,744, G>A. VCF-style: chr6-7585744-G-A. GRCh37 (hg19) VCF-style: chr6-7585977-G-A.
Other names: c.8482G>A (LRG_423t1); c.6685G>A, p.Gly2229Ser (NM_001008844.3); c.7153G>A, p.Gly2385Ser (NM_001319034.2); short protein forms G2828S, G2229S, G2385S.
Identifiers: ClinVar variation 405239 (VCV000405239.24), dbSNP rs369682599, ClinGen allele CA052478.
Genomic context (GRCh38, chr6:7,585,744, plus strand): 5'-GTGTCGTCCAAGGGCTTACCCAGCCCTTACAACATGTCTTCGGCTCCGGGGTCCCGCTCC[G>A]GCTCCCGCTCGGGATCTCGCTCCGGATCTCGCTCCGGGTCCCGCAGTGGGTCCCGGAGAG-3'
Protein context (NP_004406.2, residues 2818-2838): NMSSAPGSRS[Gly2828Ser]SRSGSRSGSR